The following is an entry in ClinVar:

NM_000059.4(BRCA2):c.9508G>A (p.Asp3170Asn)

Gene: BRCA2 (BRCA2 DNA repair associated; plus strand). Cytogenetic location: 13q13.1.
Variant type: single nucleotide variant.
Coding change: c.9508G>A on transcript NM_000059.4 (MANE Select); coding-DNA position 9508, G replaced by A.
Protein change: p.Asp3170Asn; replaces aspartic acid 3170 with asparagine.
Molecular consequence: missense variant.
Genome position (GRCh38, 1-based): chr13:32,396,904, G>A. VCF-style: chr13-32396904-G-A. GRCh37 (hg19) VCF-style: chr13-32971041-G-A.
Other names: c.9508G>A (NM_000059.3); short protein forms D3170N.
Identifiers: ClinVar variation 1472878 (VCV001472878.10), dbSNP rs2137658723, ClinGen allele CA387762854.
Genomic context (GRCh38, chr13:32,396,904, plus strand): 5'-CATAAATATGTGGGTTTGCAATTTATAAAGCAGCTTTTCCACTTATTTTCTTAGAATATT[G>A]ACATACTTTGCAATGAAGCAGAAAACAAGCTTATGCATATACTGCATGCAAATGATCCCA-3'
Protein context (NP_000050.3, residues 3160-3180): NKMKNTVENI[Asp3170Asn]ILCNEAENKL

ClinVar aggregate classification (germline): Conflicting classifications of pathogenicity. Review status: criteria provided, conflicting classifications (1 of 4 stars). 3 submissions from 3 submitters: Uncertain significance (2); Likely benign (1). Last evaluated 2025-05-05.

Conditions:
Hereditary cancer-predisposing syndrome. Also called: Neoplastic Syndromes, Hereditary; Hereditary Cancer Syndrome; Tumor predisposition; Hereditary neoplastic syndrome. Identifiers: Orphanet 140162, MedGen C0027672, MeSH D009386, MONDO:0015356.
Hereditary breast ovarian cancer syndrome. Also called: Breast and ovarian cancer; Hereditary breast and ovarian cancer; Hereditary breast and ovarian cancer syndrome; Hereditary breast and ovarian cancer syndrome (HBOC); BRCA1- and BRCA2-Associated Hereditary Breast and Ovarian Cancer; Hereditary breast and/or ovarian cancer syndrome. Identifiers: Orphanet 145, MedGen C0677776, MeSH D061325, MONDO:0003582. Disease mechanism: loss of function.

Submissions (3):

Ambry Genetics
Classification: Likely benign for Hereditary cancer-predisposing syndrome. Last evaluated: 2025-05-05. Review status: criteria provided, single submitter. Criteria: Ambry Variant Classification Scheme 2023. Collection method: clinical testing. Allele origin: germline.

GeneDx
Classification: Uncertain significance. Last evaluated: 2025-03-25. Review status: criteria provided, single submitter. Criteria: GeneDx Variant Classification Process June 2021. Collection method: clinical testing. Allele origin: germline. Affected: yes.
Comment: Not observed at significant frequency in large population cohorts (gnomAD); In silico analysis indicates that this missense variant does not alter protein structure/function; Has not been previously published as pathogenic or benign to our knowledge; Also known as 9736G>A; This variant is associated with the following publications: (PMID: 12228710)

Labcorp Genetics (formerly Invitae), Labcorp
Classification: Uncertain significance for Hereditary breast ovarian cancer syndrome. Last evaluated: 2021-06-18. Review status: criteria provided, single submitter. Criteria: Invitae Variant Classification Sherloc (09022015). Collection method: clinical testing. Allele origin: germline.
Comment: This variant is not present in population databases (ExAC no frequency). In summary, the available evidence is currently insufficient to determine the role of this variant in disease. Therefore, it has been classified as a Variant of Uncertain Significance. Advanced modeling of protein sequence and biophysical properties (such as structural, functional, and spatial information, amino acid conservation, physicochemical variation, residue mobility, and thermodynamic stability) performed at Invitae indicates that this missense variant is not expected to disrupt BRCA2 protein function. This variant has not been reported in the literature in individuals with BRCA2-related conditions. This sequence change replaces aspartic acid with asparagine at codon 3170 of the BRCA2 protein (p.Asp3170Asn). The aspartic acid residue is moderately conserved and there is a small physicochemical difference between aspartic acid and asparagine.